The following is an entry in ClinVar:

ClinVar aggregate classification (germline): Likely pathogenic (1 of 4 stars; one submission).

Submission:

Medical Genetics, Taibah University College of Applied Medical Sciences
Classification: Likely pathogenic. Review status: criteria provided, single submitter. Criteria: ACMG Guidelines, 2015. Collection method: research. Allele origin: germline. Inheritance: Autosomal recessive inheritance. Affected: yes. Observed: 1 homozygote.
Comment: Several lines of evidence support the likely pathogenic effect of this variant (PMID: 39401966): 1- the consistent segregation studies, 2-absence of this variant as a homozygous in gnomAD (v4.1.0), 3- the predicted and confirmed loss of function nature of this variant, 4- the biological relevance in Krebs Cycle, and 5- the orthogonal complementation of the growth arrest phenotype in yeast lacking the mitochondrial hME2 orthologue Mae1.

Literature cited by the submitters: PubMed 39401966.

NM_002396.5(ME2):c.1379_1380del (p.Phe460fs)

Gene: ME2 (malic enzyme 2; plus strand). Cytogenetic location: 18q21.2.
Variant type: Deletion.
Coding change: c.1379_1380del on transcript NM_002396.5 (MANE Select); coding-DNA positions 1379 to 1380, 2 bases deleted (TT; older notation c.1379_1380delTT).
Protein change: p.Phe460fs; shifts the reading frame from phenylalanine 460.
Molecular consequence: frameshift variant. On other transcripts: non-coding transcript variant (1).
Genome position (GRCh38, 1-based): chr18:50,932,322-50,932,323, TT deleted; deleting any 2 consecutive bases within chr18:50,932,321-50,932,323 gives the same sequence; the c. name uses the placement nearest the transcript's 3' end. VCF-style (leftmost placement, unchanged base first): chr18-50932320-CTT-C. GRCh37 (hg19) VCF-style: chr18-48458690-CTT-C.
Other names: c.1379_1380del, p.Phe460fs (NM_001168335.2); short protein forms F460fs.
Identifiers: ClinVar variation 3390850 (VCV003390850.1).